The following is an entry in ClinVar:

ClinVar aggregate classification (germline): Pathogenic. Review status: criteria provided, single submitter (1 of 4 stars). 2 submissions from 2 submitters: Pathogenic (1). 1 of the submissions does not count toward it. Last evaluated 2024-06-26.

Conditions:
ADNP-related multiple congenital anomalies - intellectual disability - autism spectrum disorder. Also called: Helsmoortel-Van der Aa Syndrome; ADNP-Related Helsmoortel-Van der Aa Syndrome. Identifiers: Orphanet 404448, MedGen C4014538, MONDO:0014379, OMIM 615873. Disease mechanism: loss of function.
Intellectual disability. Also called: intellectual disabilities; Intellectual developmental disorder; Intellectual functioning disability. Identifiers: MedGen C3714756, MeSH D008607, MONDO:0001071, HP:0001249.

Submissions (2):

3billion
Classification: Pathogenic for ADNP-related multiple congenital anomalies - intellectual disability - autism spectrum disorder. Last evaluated: 2024-06-26. Review status: criteria provided, single submitter. Criteria: ACMG Guidelines, 2015. Collection method: clinical testing. Allele origin: germline. Affected: yes.
Comment: The variant is not observed in the gnomAD v4.0.0 dataset. Predicted Consequence/Location: Frameshift: predicted to result in a loss or disruption of normal protein function through nonsense-mediated decay (NMD) or protein truncation. Multiple pathogenic variants are reported downstream of the variant. The variant has been reported to be associated with ADNP related disorder (ClinVar ID: VCV000973123). Therefore, this variant is classified as Pathogenic according to the recommendation of ACMG/AMP guideline.

Diagnostic Laboratory, Strasbourg University Hospital
Classification: Pathogenic for Intellectual disability. Last evaluated: 2018-12-01. Review status: no assertion criteria provided. Collection method: clinical testing. Allele origin: de novo. Affected: yes. Observed: 1 heterozygote. Not counted in ClinVar's aggregate classification.

NM_001282531.3(ADNP):c.67_70del (p.Leu23fs)

Gene: ADNP (activity dependent neuroprotector homeobox; minus strand). Cytogenetic location: 20q13.13.
Variant type: Deletion.
Coding change: c.67_70del on transcript NM_001282531.3 (MANE Select); coding-DNA positions 67 to 70, 4 bases deleted (CTTA; older notation c.67_70delCTTA).
Protein change: p.Leu23fs; shifts the reading frame from leucine 23.
Molecular consequence: frameshift variant.
Genome position (GRCh38, 1-based): chr20:50,903,927-50,903,930, TAAG deleted on the plus strand (CTTA on the coding strand, the reverse complement: ADNP is on the minus strand); deleting any 4 consecutive bases within chr20:50,903,927-50,903,932 gives the same sequence; the c. name uses the placement nearest the transcript's 3' end. VCF-style (leftmost placement, unchanged base first): chr20-50903926-CTAAG-C. GRCh37 (hg19) VCF-style: chr20-49520463-CTAAG-C.
Other names: c.67_70del, p.Leu23fs (NM_001282532.2, NM_001347511.2, NM_015339.5 and 1 more transcripts); short protein forms L23fs.
Identifiers: ClinVar variation 973123 (VCV000973123.3), dbSNP rs1982228705, ClinGen allele CA1139666745.